The following is an entry in ClinVar:

ClinVar aggregate classification (germline): Uncertain significance (1 of 4 stars; one submission).

Submission:

GeneDx
Classification: Uncertain significance. Last evaluated: 2022-11-15. Review status: criteria provided, single submitter. Criteria: GeneDx Variant Classification Process June 2021. Collection method: clinical testing. Allele origin: germline. Affected: yes.
Comment: Not observed at significant frequency in large population cohorts (gnomAD); In silico analysis supports that this missense variant does not alter protein structure/function; Has not been previously published as pathogenic or benign to our knowledge

NM_144991.3(TSPEAR):c.157G>A (p.Val53Ile)

Gene: TSPEAR (thrombospondin type laminin G domain and EAR repeats; minus strand). Cytogenetic location: 21q22.3.
Variant type: single nucleotide variant.
Coding change: c.157G>A on transcript NM_144991.3 (MANE Select); coding-DNA position 157, G replaced by A.
Protein change: p.Val53Ile; replaces valine 53 with isoleucine.
Molecular consequence: missense variant. On other transcripts: 5 prime UTR variant (1).
Genome position (GRCh38, 1-based): chr21:44,567,931, C>T on the plus strand (G>A on the coding strand, the complement: TSPEAR is on the minus strand). VCF-style: chr21-44567931-C-T. GRCh37 (hg19) VCF-style: chr21-45987815-C-T.
Other names: c.-48G>A (NM_001272037.2); short protein forms V53I.
Identifiers: ClinVar variation 2502109 (VCV002502109.1), dbSNP rs2517465339, ClinGen allele CA410467611.